The following is an entry in ClinVar:

ClinVar aggregate classification (germline): Uncertain significance (1 of 4 stars; one submission).

Conditions:
Carney complex, type 1 (CNC1). Also called: CARNEY COMPLEX, TYPE I; CARNEY MYXOMA-ENDOCRINE COMPLEX. Identifiers: Orphanet 1359, MedGen C2607929, MONDO:0008057, OMIM 160980.

Allele frequency attached by ClinVar (database versions not stated): gnomAD exomes below 0.00001.
gnomAD v4.1: 1 of 1,613,068 alleles (0.000062%); highest among the groups gnomAD compares: South Asian, 0.0011%; no homozygotes.

Submission:

Labcorp Genetics (formerly Invitae), Labcorp
Classification: Uncertain significance for Carney complex, type 1. Last evaluated: 2023-07-20. Review status: criteria provided, single submitter. Criteria: Invitae Variant Classification Sherloc (09022015). Collection method: clinical testing. Allele origin: germline.
Comment: This variant occurs in a non-coding region of the PRKAR1A gene. It does not change the encoded amino acid sequence of the PRKAR1A protein. This variant is not present in population databases (gnomAD no frequency). This variant has not been reported in the literature in individuals affected with PRKAR1A-related conditions. In summary, the available evidence is currently insufficient to determine the role of this variant in disease. Therefore, it has been classified as a Variant of Uncertain Significance.

NM_002734.5(PRKAR1A):c.-6A>G

Gene: PRKAR1A (protein kinase cAMP-dependent type I regulatory subunit alpha; plus strand). Cytogenetic location: 17q24.2.
Variant type: single nucleotide variant.
Coding change: c.-6A>G on transcript NM_002734.5 (MANE Select); 6 bases upstream of the start codon, A replaced by G.
Molecular consequence: 5 prime UTR variant.
Genome position (GRCh38, 1-based): chr17:68,515,394, A>G. VCF-style: chr17-68515394-A-G. GRCh37 (hg19) VCF-style: chr17-66511535-A-G.
Other names: c.-6A>G (NM_001276289.2, NM_001276290.1, NM_001278433.2 and 4 more transcripts).
Identifiers: ClinVar variation 2745566 (VCV002745566.3), dbSNP rs2509357053, ClinGen allele CA501528103.